The following is an entry in ClinVar:

NM_001367624.2(ZNF469):c.9161A>C (p.Glu3054Ala)

Gene: ZNF469 (zinc finger protein 469; plus strand). Cytogenetic location: 16q24.2.
Variant type: single nucleotide variant.
Coding change: c.9161A>C on transcript NM_001367624.2 (MANE Select); coding-DNA position 9161, A replaced by C.
Protein change: p.Glu3054Ala; replaces glutamic acid 3054 with alanine.
Molecular consequence: missense variant.
Genome position (GRCh38, 1-based): chr16:88,436,631, A>C. VCF-style: chr16-88436631-A-C. GRCh37 (hg19) VCF-style: chr16-88503039-A-C.
Other names: NM_001127464.1:c.9077A>C; short protein forms E3054A.
Identifiers: ClinVar variation 392225 (VCV000392225.39), dbSNP rs139565761, ClinGen allele CA8225412.

ClinVar aggregate classification (germline): Benign/Likely benign. Review status: criteria provided, multiple submitters, no conflicts (2 of 4 stars). 6 submissions from 6 submitters: Benign (4); Likely benign (2). Last evaluated 2026-04-08.

Conditions:
Brittle cornea syndrome 1 (BCS1). Also called: Corneal fragility keratoglobus, blue sclerae AND joint hypermobility; DYSGENESIS MESODERMALIS CORNEAE ET SCLERAE; CORNEAL FRAGILITY, KERATOGLOBUS, BLUE SCLERAE, JOINT HYPEREXTENSIBILITY; EDS6B; FRAGILITAS OCULI WITH JOINT HYPEREXTENSIBILITY. Identifiers: Orphanet 90354, MedGen C0268344, MONDO:0024543, OMIM 229200.
Cardiovascular phenotype. Identifiers: MedGen CN230736.

Allele frequency attached by ClinVar (database versions not stated): 1000 Genomes Project 0.00459; 1000 Genomes Project 30x 0.00500; gnomAD exomes 0.00024 and 0.00038; ExAC 0.00104; gnomAD 0.00273 and 0.00277; TOPMed 0.00288.
gnomAD v4.1: 774 of 1,550,274 alleles (0.05%); highest among the groups gnomAD compares: African/African-American, 0.96%; 8 homozygotes.

Submissions (6):

Women's Health and Genetics/Laboratory Corporation of America, LabCorp
Classification: Benign. Last evaluated: 2026-04-08. Review status: criteria provided, single submitter. Criteria: LabCorp Variant Classification Summary - May 2015. Collection method: clinical testing. Allele origin: germline.
Comment: Variant summary: ZNF469 c.9161A>C (p.Glu3054Ala) results in a non-conservative amino acid change in the encoded protein sequence. Algorithms developed to predict the effect of missense changes on protein structure and function are either unavailable or do not agree on the potential impact of this missense change. The variant allele was found at a frequency of 0.0005 in 1550274 control chromosomes, predominantly at a frequency of 0.0096 within the African or African-American subpopulation in the gnomAD database, including 8 homozygotes. The observed variant frequency within African or African-American control individuals in the gnomAD database exceeds the estimated maximal expected allele frequency for disease-causing variants in ZNF469. To our knowledge, no occurrence of c.9161A>C in individuals affected with ZNF469-related conditions and no experimental evidence demonstrating its impact on protein function have been reported. ClinVar contains an entry for this variant (Variation ID: 392225). Based on the evidence outlined above, the variant was classified as benign.

Labcorp Genetics (formerly Invitae), Labcorp
Classification: Benign. Last evaluated: 2026-01-27. Review status: criteria provided, single submitter. Criteria: Invitae Variant Classification Sherloc (09022015). Collection method: clinical testing. Allele origin: germline.

CeGaT Center for Human Genetics Tuebingen
Classification: Likely benign. Last evaluated: 2025-01-01. Review status: criteria provided, single submitter. Criteria: CeGaT Center For Human Genetics Tuebingen Variant Classification Criteria Version 2. Collection method: clinical testing. Allele origin: germline. Affected: yes. Observed: 2 variant alleles.
Comment: ZNF469: BP4, BS2

Genome-Nilou Lab
Classification: Benign for Brittle cornea syndrome 1. Last evaluated: 2021-12-05. Review status: criteria provided, single submitter. Criteria: ACMG Guidelines, 2015. Collection method: clinical testing. Allele origin: germline. Affected: no.

GeneDx
Classification: Likely benign. Last evaluated: 2021-09-16. Review status: criteria provided, single submitter. Criteria: GeneDx Variant Classification Process June 2021. Collection method: clinical testing. Allele origin: germline. Affected: yes.
Comment: This variant is associated with the following publications: (PMID: 29228253)

Ambry Genetics
Classification: Benign for Cardiovascular phenotype. Last evaluated: 2020-03-18. Review status: criteria provided, single submitter. Criteria: Ambry Variant Classification Scheme 2023. Collection method: clinical testing. Allele origin: germline.

Literature cited by the submitters: PubMed 29228253 (cited by Ambry Genetics).